The following is an entry in ClinVar:

ClinVar aggregate classification (germline): Uncertain significance (1 of 4 stars; one submission).

Conditions:
SCAPER-related disorder. Also called: SCAPER-related condition.

gnomAD v4.1: 6 of 1,613,632 alleles (0.00037%); highest among the groups gnomAD compares: Non-Finnish European, 0.00051%; no homozygotes.

Submission:

PreventionGenetics, part of Exact Sciences
Classification: Uncertain significance for SCAPER-related condition. Last evaluated: 2025-09-26. Review status: criteria provided, single submitter. Criteria: ACMG Guidelines, 2015. Collection method: clinical testing. Allele origin: germline.
Comment: The SCAPER c.980C>A variant is predicted to result in the amino acid substitution p.Ser327Tyr. To our knowledge, this variant has not been reported in the literature. This variant is reported in 0.00089% of alleles in individuals of European (Non-Finnish) descent in gnomAD. At this time, the clinical significance of this variant is uncertain due to the absence of conclusive functional and genetic evidence.

NM_020843.4(SCAPER):c.980C>A (p.Ser327Tyr)

Gene: SCAPER (S-phase cyclin A associated protein in the ER; minus strand). Cytogenetic location: 15q24.3.
Variant type: single nucleotide variant.
Coding change: c.980C>A on transcript NM_020843.4 (MANE Select); coding-DNA position 980, C replaced by A.
Protein change: p.Ser327Tyr; replaces serine 327 with tyrosine.
Molecular consequence: missense variant. On other transcripts: non-coding transcript variant (1).
Genome position (GRCh38, 1-based): chr15:76,774,910, G>T on the plus strand (C>A on the coding strand, the complement: SCAPER is on the minus strand). VCF-style: chr15-76774910-G-T. GRCh37 (hg19) VCF-style: chr15-77067251-G-T.
Other names: c.242C>A, p.Ser81Tyr (NM_001145923.2); c.980C>A, p.Ser327Tyr (NM_001353009.2); c.578C>A, p.Ser193Tyr (NM_001353010.2, NM_001353011.2, NM_001353012.2); short protein forms S81Y, S193Y, S327Y.
Identifiers: ClinVar variation 4995016 (VCV004995016.1).